The following is an entry in ClinVar:

NM_001854.4(COL11A1):c.4522C>T (p.Pro1508Ser)

Gene: COL11A1 (collagen type XI alpha 1 chain; minus strand). Cytogenetic location: 1p21.1.
Variant type: single nucleotide variant.
Coding change: c.4522C>T on transcript NM_001854.4 (MANE Select); coding-DNA position 4522, C replaced by T.
Protein change: p.Pro1508Ser; replaces proline 1508 with serine.
Molecular consequence: missense variant. On other transcripts: non-coding transcript variant (1).
Genome position (GRCh38, 1-based): chr1:102,888,755, G>A on the plus strand (C>T on the coding strand, the complement: COL11A1 is on the minus strand). VCF-style: chr1-102888755-G-A. GRCh37 (hg19) VCF-style: chr1-103354311-G-A.
Other names: c.4405C>T, p.Pro1469Ser (NM_001190709.2); c.4558C>T, p.Pro1520Ser (NM_080629.3); c.4174C>T, p.Pro1392Ser (NM_080630.4); short protein forms P1469S, P1508S, P1520S, P1392S.
Identifiers: ClinVar variation 3675645 (VCV003675645.2).

ClinVar aggregate classification (germline): Uncertain significance (1 of 4 stars; one submission).

Submission:

Labcorp Genetics (formerly Invitae), Labcorp
Classification: Uncertain significance. Last evaluated: 2025-01-30. Review status: criteria provided, single submitter. Criteria: Invitae Variant Classification Sherloc (09022015). Collection method: clinical testing. Allele origin: germline.
Comment: This sequence change replaces proline, which is neutral and non-polar, with serine, which is neutral and polar, at codon 1508 of the COL11A1 protein (p.Pro1508Ser). This variant is not present in population databases (gnomAD no frequency). This variant has not been reported in the literature in individuals affected with COL11A1-related conditions. Invitae Evidence Modeling of protein sequence and biophysical properties (such as structural, functional, and spatial information, amino acid conservation, physicochemical variation, residue mobility, and thermodynamic stability) indicates that this missense variant is not expected to disrupt COL11A1 protein function with a negative predictive value of 80%. In summary, the available evidence is currently insufficient to determine the role of this variant in disease. Therefore, it has been classified as a Variant of Uncertain Significance.